The following is an entry in ClinVar:

ClinVar aggregate classification (germline): Uncertain significance. Review status: criteria provided, multiple submitters, no conflicts (2 of 4 stars). 2 submissions from 2 submitters: Uncertain significance (2). Last evaluated 2026-06-29.

Conditions:
Cardiomyopathy (CMYO). Also called: Cardiomyopathies. Identifiers: Orphanet 167848, MedGen C0878544, MONDO:0004994, HP:0001638. Inheritance: Various modes of inheritance.
Cardiovascular phenotype. Identifiers: MedGen CN230736.

Submissions (2):

Ambry Genetics
Classification: Uncertain significance for Cardiovascular phenotype. Last evaluated: 2026-06-29. Review status: criteria provided, single submitter. Criteria: Ambry Variant Classification Scheme 2023. Collection method: clinical testing. Allele origin: germline.
Comment: The p.F1942S variant (also known as c.5825T>C), located in coding exon 38 of the RYR2 gene, results from a T to C substitution at nucleotide position 5825. The phenylalanine at codon 1942 is replaced by serine, an amino acid with highly dissimilar properties. This amino acid position is well conserved in available vertebrate species. In addition, the in silico prediction for this alteration is inconclusive. Based on the available evidence, the clinical significance of this variant remains unclear.

Color Diagnostics, LLC DBA Color Health
Classification: Uncertain significance for Cardiomyopathy. Last evaluated: 2018-11-26. Review status: criteria provided, single submitter. Criteria: ACMG Guidelines, 2015. Collection method: clinical testing. Allele origin: germline.
Comment: Variant of Uncertain Significance due to insufficient evidence: This missense variant is located in the cytoplasmic domain of the RYR2 protein. Computational prediction tools and conservation analyses are inconclusive regarding the impact of this variant on the protein function. Computational splicing tools suggest that this variant may not impact RNA splicing. To our knowledge, functional assays have not been performed for this variant nor has this variant been reported in individuals affected with cardiovascular disorders in the literature. This variant is rare in the general population and has been identified in 0/277264 chromosomes by the Genome Aggregation Database (gnomAD). Available evidence is insufficient to determine the pathogenicity of this variant conclusively.

NM_001035.3(RYR2):c.5825T>C (p.Phe1942Ser)

Gene: RYR2 (ryanodine receptor 2; plus strand). Cytogenetic location: 1q43.
Variant type: single nucleotide variant.
Coding change: c.5825T>C on transcript NM_001035.3 (MANE Select); coding-DNA position 5825, T replaced by C.
Protein change: p.Phe1942Ser; replaces phenylalanine 1942 with serine.
Molecular consequence: missense variant.
Genome position (GRCh38, 1-based): chr1:237,617,395, T>C. VCF-style: chr1-237617395-T-C. GRCh37 (hg19) VCF-style: chr1-237780695-T-C.
Other names: c.5825T>C (NM_001035.2); short protein forms F1942S.
Identifiers: ClinVar variation 927157 (VCV000927157.4), dbSNP rs397516546, ClinGen allele CA345407160.